The following is an entry in ClinVar:

ClinVar aggregate classification (germline): Uncertain significance (1 of 4 stars; one submission).

Conditions:
Leigh syndrome (NULS). Also called: Leigh's necrotizing encephalopathy; Leigh's disease; Leigh Syndrome (mtDNA deletion); Leigh Disease; Subacute necrotizing encephalopathy; Necrotizing encephalopathy infantile subacute of Leigh. Identifiers: Orphanet 506, MedGen C2931891, MONDO:0009723, OMIM 256000.

Submission:

Wong Mito Lab, Molecular and Human Genetics, Baylor College of Medicine
Classification: Uncertain significance for Leigh syndrome. Last evaluated: 2019-10-17. Review status: criteria provided, single submitter. Criteria: Modified ACMG Guidelines (Unpublished). Collection method: clinical testing. Allele origin: germline.
Comment: The NC_012920.1:m.3508A>G (YP_003024026.1:p.Ile68Val) variant in MTND1 gene is interpretated to be a Uncertain Significance variant based on the modified ACMG guidelines (unpublished). This variant meets the following evidence codes: PP6, BP4

NC_012920.1(MT-ND1):m.3508A>G

Gene: MT-ND1 (mitochondrially encoded NADH dehydrogenase 1; plus strand).
Variant type: single nucleotide variant.
Genome position: chrM-3508-A-G.
Identifiers: ClinVar variation 692362 (VCV000692362.1), dbSNP rs1603218990, ClinGen allele CA414772929.